The following is an entry in ClinVar:

NM_014231.5(VAMP1):c.65del (p.Pro22fs)

Genes: TAPBPL (TAP binding protein like; plus strand), VAMP1 (vesicle associated membrane protein 1; minus strand). Cytogenetic location: 12p13.31.
Variant type: Deletion.
Coding change: c.65del on transcript NM_014231.5 (MANE Select); coding-DNA position 65, one base deleted (C; older notation c.65delC).
Protein change: p.Pro22fs; shifts the reading frame from proline 22.
Molecular consequence: frameshift variant.
Genome position (GRCh38, 1-based): chr12:6,466,289, G deleted on the plus strand (C on the coding strand, the reverse complement: VAMP1 is on the minus strand); the first of 5 consecutive G bases (chr12:6,466,289-6,466,293); deleting any one gives the same sequence. VCF-style (leftmost placement, unchanged base first): chr12-6466288-AG-A. GRCh37 (hg19) VCF-style: chr12-6575454-AG-A.
Other names: c.65del, p.Pro22fs (NM_001297438.2, NM_016830.4, NM_199245.3); short protein forms P22fs.
Identifiers: ClinVar variation 284396 (VCV000284396.9), dbSNP rs886042861, ClinGen allele CA10604782.
Genomic context (GRCh38, chr12:6,466,288, plus strand): 5'-CTCCACTTGTGCCTGGGTTTGCTGTAGTCGTCTGTTACTGGTCATGTTAGGAGGAGGGCC[AG>A]GGGGACCCCCACCTGGGGCAGTCCCTTCTGTCCCTTCAGCAGGTGGCTGAGCTGGAGCAG-3'

ClinVar aggregate classification (germline): Conflicting classifications of pathogenicity. Review status: criteria provided, conflicting classifications (1 of 4 stars). 2 submissions from 2 submitters: Pathogenic (1); Uncertain significance (1). Last evaluated 2024-11-04.

Conditions:
Spastic paraplegia. Identifiers: MedGen C0037772, HP:0001258.

Submissions (2):

Labcorp Genetics (formerly Invitae), Labcorp
Classification: Pathogenic for Spastic paraplegia. Last evaluated: 2024-11-04. Review status: criteria provided, single submitter. Criteria: Invitae Variant Classification Sherloc (09022015). Collection method: clinical testing. Allele origin: germline.
Comment: This sequence change creates a premature translational stop signal (p.Pro22Leufs*7) in the VAMP1 gene. It is expected to result in an absent or disrupted protein product. Loss-of-function variants in VAMP1 are known to be pathogenic (PMID: 28253535). This variant is not present in population databases (gnomAD no frequency). This variant has not been reported in the literature in individuals affected with VAMP1-related conditions. ClinVar contains an entry for this variant (Variation ID: 284396). For these reasons, this variant has been classified as Pathogenic.

Eurofins Ntd Llc (ga)
Classification: Uncertain significance. Last evaluated: 2015-11-10. Review status: criteria provided, single submitter. Criteria: EGL Classification Definitions 2015. Collection method: clinical testing. Allele origin: germline.

Literature cited by the submitters: PubMed 28253535 (cited by Labcorp Genetics (formerly Invitae), Labcorp).